The following is an entry in ClinVar:

ClinVar aggregate classification (germline): Uncertain significance (1 of 4 stars; one submission).

Conditions:
Early-infantile DEE. Also called: Ohtahara syndrome; Early infantile epileptic encephalopathy; Early infantile epileptic encephalopathy with suppression bursts. Identifiers: Orphanet 1934, MedGen C0393706, MONDO:0800491.

Allele frequency attached by ClinVar (database versions not stated): gnomAD exomes below 0.00001; TOPMed below 0.00001.
gnomAD v4.1: 2 of 1,613,852 alleles (0.00012%); highest among the groups gnomAD compares: East Asian, 0.0022%; no homozygotes.

Submission:

Labcorp Genetics (formerly Invitae), Labcorp
Classification: Uncertain significance for Early-infantile DEE. Last evaluated: 2022-05-27. Review status: criteria provided, single submitter. Criteria: Invitae Variant Classification Sherloc (09022015). Collection method: clinical testing. Allele origin: germline.
Comment: This sequence change replaces asparagine, which is neutral and polar, with aspartic acid, which is acidic and polar, at codon 779 of the CACNA2D2 protein (p.Asn779Asp). This variant is present in population databases (no rsID available, gnomAD 0.003%). This variant has not been reported in the literature in individuals affected with CACNA2D2-related conditions. Algorithms developed to predict the effect of missense changes on protein structure and function are either unavailable or do not agree on the potential impact of this missense change (SIFT: "Deleterious"; PolyPhen-2: "Possibly Damaging"; Align-GVGD: "Class C0"). In summary, the available evidence is currently insufficient to determine the role of this variant in disease. Therefore, it has been classified as a Variant of Uncertain Significance.

NM_006030.4(CACNA2D2):c.2335A>G (p.Asn779Asp)

Genes: CACNA2D2 (calcium voltage-gated channel auxiliary subunit alpha2delta 2; minus strand), LOC101928965 (uncharacterized LOC101928965; plus strand), LOC127898564 (CYB561D2-LOC101928965; plus strand). Cytogenetic location: 3p21.31.
Variant type: single nucleotide variant.
Coding change: c.2335A>G on transcript NM_006030.4 (MANE Select); coding-DNA position 2335, A replaced by G.
Protein change: p.Asn779Asp; replaces asparagine 779 with aspartic acid.
Molecular consequence: missense variant.
Genome position (GRCh38, 1-based): chr3:50,367,460, T>C on the plus strand (A>G on the coding strand, the complement: CACNA2D2 is on the minus strand). VCF-style: chr3-50367460-T-C. GRCh37 (hg19) VCF-style: chr3-50404891-T-C.
Other names: c.2335A>G, p.Asn779Asp (NM_001005505.3, NM_001410768.1); c.2356A>G, p.Asn786Asp (NM_001174051.3); c.2128A>G, p.Asn710Asp (NM_001291101.1); short protein forms N710D, N779D, N786D.
Identifiers: ClinVar variation 2171102 (VCV002171102.4), dbSNP rs1450051024, ClinGen allele CA352913533.